The following is an entry in ClinVar:

NM_001370259.2(MEN1):c.903C>T (p.Leu301=)

Gene: MEN1 (menin 1; minus strand). Cytogenetic location: 11q13.1.
Variant type: single nucleotide variant.
Coding change: c.903C>T on transcript NM_001370259.2 (MANE Select); coding-DNA position 903, C replaced by T.
Protein change: p.Leu301=; no amino-acid change (leucine 301 retained).
Molecular consequence: synonymous variant.
Genome position (GRCh38, 1-based): chr11:64,807,020, G>A on the plus strand (C>T on the coding strand, the complement: MEN1 is on the minus strand). VCF-style: chr11-64807020-G-A. GRCh37 (hg19) VCF-style: chr11-64574492-G-A.
Other names: c.918C>T, p.Leu306= (NM_000244.4, NM_130800.3, NM_130801.3 and 3 more transcripts); c.903C>T, p.Leu301= (NM_001370251.2, NM_001370260.2, NM_001370261.2 and 1 more transcripts); c.798C>T, p.Leu266= (NM_001370262.2, NM_001370263.2).
Identifiers: ClinVar variation 755229 (VCV000755229.13), dbSNP rs1592646283, ClinGen allele CA474983536.

ClinVar aggregate classification (germline): Conflicting classifications of pathogenicity. Review status: criteria provided, conflicting classifications (1 of 4 stars). 3 submissions from 3 submitters: Uncertain significance (1); Likely benign (2). Last evaluated 2025-06-20.

Conditions:
Hereditary cancer-predisposing syndrome. Also called: Tumor predisposition; Hereditary Cancer Syndrome; Neoplastic Syndromes, Hereditary; Hereditary neoplastic syndrome. Identifiers: Orphanet 140162, MedGen C0027672, MeSH D009386, MONDO:0015356.
Multiple endocrine neoplasia, type 1 (MEN1). Also called: MEA I; MEN I; WERMER SYNDROME; Endocrine adenomatosis multiple; MEN 1. Identifiers: Orphanet 652, MedGen C0025267, MeSH D018761, MONDO:0007540, OMIM 131100.

Allele frequency attached by ClinVar (database versions not stated): gnomAD exomes below 0.00001.
gnomAD v4.1: 2 of 1,612,870 alleles (0.00012%); highest among the groups gnomAD compares: Middle Eastern, 0.02%; no homozygotes.

Submissions (3):

Labcorp Genetics (formerly Invitae), Labcorp
Classification: Likely benign for Multiple endocrine neoplasia, type 1. Last evaluated: 2025-06-20. Review status: criteria provided, single submitter. Criteria: Invitae Variant Classification Sherloc (09022015). Collection method: clinical testing. Allele origin: germline.

All of Us Research Program, National Institutes of Health
Classification: Uncertain significance for Multiple endocrine neoplasia, type 1. Last evaluated: 2023-10-23. Review status: criteria provided, single submitter. Criteria: ACMG Guidelines, 2015. Collection method: clinical testing. Allele origin: germline. Inheritance: Autosomal dominant inheritance. Observed: 1 variant allele, 1 heterozygote.
Comment: This variant is located in the MEN1 protein. To our knowledge, functional studies have not been reported for this variant. This variant has not been reported in individuals affected with MEN1-related disorders in the literature. This variant has not been identified in the general population by the Genome Aggregation Database (gnomAD). The available evidence is insufficient to determine the role of this variant in disease conclusively. Therefore, this variant is classified as a Variant of Uncertain Significance.

This study involves interpretation of variants in research participants for the purpose of population health screening. Participant phenotype was not available at the time of variant classification. Additional details can be found in publication PMID: 35346344, PMCID: PMC8962531

Ambry Genetics
Classification: Likely benign for Hereditary cancer-predisposing syndrome. Last evaluated: 2020-09-14. Review status: criteria provided, single submitter. Criteria: Ambry Variant Classification Scheme 2023. Collection method: clinical testing. Allele origin: germline.